The following is an entry in ClinVar:

NM_004371.4(COPA):c.1264G>A (p.Ala422Thr)

Gene: COPA (coat protein complex I subunit alpha; minus strand). Cytogenetic location: 1q23.2.
Variant type: single nucleotide variant.
Coding change: c.1264G>A on transcript NM_004371.4 (MANE Select); coding-DNA position 1264, G replaced by A.
Protein change: p.Ala422Thr; replaces alanine 422 with threonine.
Molecular consequence: missense variant.
Genome position (GRCh38, 1-based): chr1:160,307,201, C>T on the plus strand (G>A on the coding strand, the complement: COPA is on the minus strand). VCF-style: chr1-160307201-C-T. GRCh37 (hg19) VCF-style: chr1-160276991-C-T.
Other names: c.1264G>A, p.Ala422Thr (NM_001098398.2); short protein forms A422T.
Identifiers: ClinVar variation 3495946 (VCV003495946.2).

ClinVar aggregate classification (germline): Uncertain significance. Review status: criteria provided, multiple submitters, no conflicts (2 of 4 stars). 2 submissions from 2 submitters: Uncertain significance (2). Last evaluated 2025-05-03.

Conditions:
Inborn genetic diseases. Identifiers: MedGen C0950123, MeSH D030342.
Autoimmune interstitial lung disease-arthritis syndrome. Also called: Autoinflammation and autoimmunity, systemic, with immune dysregulation. Identifiers: Orphanet 444092, MedGen C5975714, MONDO:0014629.

gnomAD v4.1: 3 of 1,614,052 alleles (0.00019%); highest among the groups gnomAD compares: African/African-American, 0.0013%; no homozygotes.

Submissions (2):

Labcorp Genetics (formerly Invitae), Labcorp
Classification: Uncertain significance for Autoimmune interstitial lung disease-arthritis syndrome. Last evaluated: 2025-05-03. Review status: criteria provided, single submitter. Criteria: Invitae Variant Classification Sherloc (09022015). Collection method: clinical testing. Allele origin: germline.
Comment: This sequence change replaces alanine, which is neutral and non-polar, with threonine, which is neutral and polar, at codon 422 of the COPA protein (p.Ala422Thr). This variant is present in population databases (rs760363546, gnomAD 0.007%). This variant has not been reported in the literature in individuals affected with COPA-related conditions. ClinVar contains an entry for this variant (Variation ID: 3495946). Invitae Evidence Modeling of protein sequence and biophysical properties (such as structural, functional, and spatial information, amino acid conservation, physicochemical variation, residue mobility, and thermodynamic stability) indicates that this missense variant is not expected to disrupt COPA protein function with a negative predictive value of 80%. In summary, the available evidence is currently insufficient to determine the role of this variant in disease. Therefore, it has been classified as a Variant of Uncertain Significance.

Ambry Genetics
Classification: Uncertain significance for Inborn genetic diseases. Last evaluated: 2024-08-05. Review status: criteria provided, single submitter. Criteria: Ambry Variant Classification Scheme 2023. Collection method: clinical testing. Allele origin: germline.